The following is an entry in ClinVar:

NM_000660.7(TGFB1):c.1021G>A (p.Ala341Thr)

Gene: TGFB1 (transforming growth factor beta 1; minus strand). Cytogenetic location: 19q13.2.
Variant type: single nucleotide variant.
Coding change: c.1021G>A on transcript NM_000660.7 (MANE Select); coding-DNA position 1021, G replaced by A.
Protein change: p.Ala341Thr; replaces alanine 341 with threonine.
Molecular consequence: missense variant.
Genome position (GRCh38, 1-based): chr19:41,331,204, C>T on the plus strand (G>A on the coding strand, the complement: TGFB1 is on the minus strand). VCF-style: chr19-41331204-C-T. GRCh37 (hg19) VCF-style: chr19-41837109-C-T.
Other names: short protein forms A341T.
Identifiers: ClinVar variation 2977263 (VCV002977263.2), dbSNP rs980524311, ClinGen allele CA308561903.

ClinVar aggregate classification (germline): Uncertain significance (1 of 4 stars; one submission).

Submission:

Labcorp Genetics (formerly Invitae), Labcorp
Classification: Uncertain significance. Last evaluated: 2025-01-29. Review status: criteria provided, single submitter. Criteria: Invitae Variant Classification Sherloc (09022015). Collection method: clinical testing. Allele origin: germline.
Comment: This sequence change replaces alanine, which is neutral and non-polar, with threonine, which is neutral and polar, at codon 341 of the TGFB1 protein (p.Ala341Thr). This variant is not present in population databases (gnomAD no frequency). This variant has not been reported in the literature in individuals affected with TGFB1-related conditions. ClinVar contains an entry for this variant (Variation ID: 2977263). Invitae Evidence Modeling of protein sequence and biophysical properties (such as structural, functional, and spatial information, amino acid conservation, physicochemical variation, residue mobility, and thermodynamic stability) indicates that this missense variant is not expected to disrupt TGFB1 protein function with a negative predictive value of 80%. In summary, the available evidence is currently insufficient to determine the role of this variant in disease. Therefore, it has been classified as a Variant of Uncertain Significance.